The following is an entry in ClinVar:

NM_004304.5(ALK):c.4304A>G (p.Glu1435Gly)

Gene: ALK (ALK receptor tyrosine kinase; minus strand). Cytogenetic location: 2p23.2.
Variant type: single nucleotide variant.
Coding change: c.4304A>G on transcript NM_004304.5 (MANE Select); coding-DNA position 4304, A replaced by G.
Protein change: p.Glu1435Gly; replaces glutamic acid 1435 with glycine.
Molecular consequence: missense variant.
Genome position (GRCh38, 1-based): chr2:29,193,783, T>C on the plus strand (A>G on the coding strand, the complement: ALK is on the minus strand). VCF-style: chr2-29193783-T-C. GRCh37 (hg19) VCF-style: chr2-29416649-T-C.
Other names: c.1100A>G, p.Glu367Gly (NM_001353765.2); short protein forms E1435G, E367G.
Identifiers: ClinVar variation 4272746 (VCV004272746.1).
Genomic context (GRCh38, chr2:29,193,783, plus strand): 5'-TTCTTTGCAGCCTTGCCAGAGGAGGTGGTAGGCAGAGGTGGTGGGGCAGCTGGGCTGCGC[T>C]CCTCCTCCCGTTTTGCCTGTTGAGAGACCAGGAGAGGAGGAACCCCCTCAGGGTCCTTGG-3'
Protein context (NP_004295.2, residues 1425-1445): LVSQQAKREE[Glu1435Gly]RSPAAPPPLP

ClinVar aggregate classification (germline): Uncertain significance (1 of 4 stars; one submission).

Conditions:
Hereditary cancer-predisposing syndrome. Also called: Hereditary Cancer Syndrome; Hereditary neoplastic syndrome; Neoplastic Syndromes, Hereditary; Tumor predisposition. Identifiers: Orphanet 140162, MedGen C0027672, MeSH D009386, MONDO:0015356.

Submission:

Ambry Genetics
Classification: Uncertain significance for Hereditary cancer-predisposing syndrome. Last evaluated: 2025-08-04. Review status: criteria provided, single submitter. Criteria: Ambry Variant Classification Scheme 2023. Collection method: clinical testing. Allele origin: germline.
Comment: The p.E1435G variant (also known as c.4304A>G), located in coding exon 29 of the ALK gene, results from an A to G substitution at nucleotide position 4304. The glutamic acid at codon 1435 is replaced by glycine, an amino acid with similar properties. This amino acid position is conserved. In addition, this alteration is predicted to be tolerated by in silico analysis. Based on the available evidence, the clinical significance of this variant remains unclear.